The following is an entry in ClinVar:

ClinVar aggregate classification (germline): Uncertain significance (1 of 4 stars; one submission).

Conditions:
Paget disease of bone 2, early-onset (PDB2). Also called: Paget disease of bone 2. Identifiers: MedGen C4085251, MONDO:0011183, OMIM 602080.
Frontotemporal dementia and/or amyotrophic lateral sclerosis 1 (FTDALS1). Also called: Frontotemporal dementia with motor neuron disease 1; C9orf72 Frontotemporal Dementia and/or Amyotrophic Lateral Sclerosis. Identifiers: Orphanet 275872, MedGen C5779877, MONDO:0007105, OMIM 105550.

Allele frequency attached by ClinVar (database versions not stated): gnomAD exomes below 0.00001; ExAC 0.00001.
gnomAD v4.1: 2 of 1,613,856 alleles (0.00012%); highest among the groups gnomAD compares: Admixed American, 0.0017%; no homozygotes.

Submission:

Labcorp Genetics (formerly Invitae), Labcorp
Classification: Uncertain significance for Paget disease of bone 2, early-onset; Frontotemporal dementia and/or amyotrophic lateral sclerosis 1. Last evaluated: 2024-09-27. Review status: criteria provided, single submitter. Criteria: Invitae Variant Classification Sherloc (09022015). Collection method: clinical testing. Allele origin: germline.
Comment: This sequence change replaces glycine, which is neutral and non-polar, with glutamic acid, which is acidic and polar, at codon 194 of the SQSTM1 protein (p.Gly194Glu). This variant is present in population databases (rs770216826, gnomAD 0.003%). This variant has not been reported in the literature in individuals affected with SQSTM1-related conditions. Invitae Evidence Modeling of protein sequence and biophysical properties (such as structural, functional, and spatial information, amino acid conservation, physicochemical variation, residue mobility, and thermodynamic stability) indicates that this missense variant is not expected to disrupt SQSTM1 protein function with a negative predictive value of 80%. In summary, the available evidence is currently insufficient to determine the role of this variant in disease. Therefore, it has been classified as a Variant of Uncertain Significance.

NM_003900.5(SQSTM1):c.581G>A (p.Gly194Glu)

Gene: SQSTM1 (sequestosome 1; plus strand). Cytogenetic location: 5q35.3.
Variant type: single nucleotide variant.
Coding change: c.581G>A on transcript NM_003900.5 (MANE Select); coding-DNA position 581, G replaced by A.
Protein change: p.Gly194Glu; replaces glycine 194 with glutamic acid.
Molecular consequence: missense variant.
Genome position (GRCh38, 1-based): chr5:179,824,231, G>A. VCF-style: chr5-179824231-G-A. GRCh37 (hg19) VCF-style: chr5-179251231-G-A.
Other names: c.329G>A, p.Gly110Glu (NM_001142298.2, NM_001142299.2); short protein forms G194E, G110E.
Identifiers: ClinVar variation 2930942 (VCV002930942.3), dbSNP rs770216826, ClinGen allele CA3600575.